The following is an entry in ClinVar:

ClinVar aggregate classification (germline): Likely pathogenic (1 of 4 stars; one submission).

Conditions:
Rubinstein-Taybi syndrome (RSTS). Identifiers: Orphanet 783, MedGen C0035934, MONDO:0019188.

Allele frequency attached by ClinVar (database versions not stated): gnomAD 0.00001.
gnomAD v4.1: 1 of 1,613,210 alleles (0.000062%); highest among the groups gnomAD compares: South Asian, 0.0011%; no homozygotes.

Submission:

Labcorp Genetics (formerly Invitae), Labcorp
Classification: Likely pathogenic for Rubinstein-Taybi syndrome. Last evaluated: 2020-10-23. Review status: criteria provided, single submitter. Criteria: Invitae Variant Classification Sherloc (09022015). Collection method: clinical testing. Allele origin: germline.
Comment: In summary, the currently available evidence indicates that the variant is pathogenic, but additional data are needed to prove that conclusively. Therefore, this variant has been classified as Likely Pathogenic. This variant has not been reported in the literature in individuals with CREBBP-related conditions. This variant is not present in population databases (ExAC no frequency). This sequence change affects an acceptor splice site in intron 13 of the CREBBP gene. It is expected to disrupt RNA splicing. Variants that disrupt the donor or acceptor splice site typically lead to a loss of protein function (PMID: 16199547), and loss-of-function variants in CREBBP are known to be pathogenic (PMID: 17052327, 18792986).

Literature cited by the submitters: PubMed 16199547; PubMed 17052327; PubMed 18792986.

NM_004380.3(CREBBP):c.2464-1G>A

Gene: CREBBP (CREB binding lysine acetyltransferase; minus strand). Cytogenetic location: 16p13.3.
Variant type: single nucleotide variant.
Coding change: c.2464-1G>A on transcript NM_004380.3 (MANE Select); the canonical splice acceptor site of the intron before coding-DNA position 2464, G replaced by A.
Molecular consequence: splice acceptor variant.
Genome position (GRCh38, 1-based): chr16:3,770,987, C>T on the plus strand (G>A on the coding strand, the complement: CREBBP is on the minus strand). VCF-style: chr16-3770987-C-T. GRCh37 (hg19) VCF-style: chr16-3820988-C-T.
Other names: c.2350-1G>A (NM_001079846.1).
Identifiers: ClinVar variation 1066215 (VCV001066215.9), dbSNP rs2052993075, ClinGen allele CA394552047.